The following is an entry in ClinVar:

ClinVar aggregate classification (germline): Uncertain significance (1 of 4 stars; one submission).

Submission:

Labcorp Genetics (formerly Invitae), Labcorp
Classification: Uncertain significance. Last evaluated: 2022-05-21. Review status: criteria provided, single submitter. Criteria: Invitae Variant Classification Sherloc (09022015). Collection method: clinical testing. Allele origin: germline.
Comment: In summary, the available evidence is currently insufficient to determine the role of this variant in disease. Therefore, it has been classified as a Variant of Uncertain Significance. Experimental studies and prediction algorithms are not available or were not evaluated, and the functional significance of this variant is currently unknown. This variant has not been reported in the literature in individuals affected with LTBP4-related conditions. This variant is not present in population databases (gnomAD no frequency). This sequence change replaces tyrosine, which is neutral and polar, with cysteine, which is neutral and slightly polar, at codon 1446 of the LTBP4 protein (p.Tyr1446Cys).

NM_001042545.2(LTBP4):c.4247A>G (p.Tyr1416Cys)

Gene: LTBP4 (latent transforming growth factor beta binding protein 4; plus strand). Cytogenetic location: 19q13.2.
Variant type: single nucleotide variant.
Coding change: c.4247A>G on transcript NM_001042545.2 (MANE Select); coding-DNA position 4247, A replaced by G.
Protein change: p.Tyr1416Cys; replaces tyrosine 1416 with cysteine.
Molecular consequence: missense variant.
Genome position (GRCh38, 1-based): chr19:40,627,236, A>G. VCF-style: chr19-40627236-A-G. GRCh37 (hg19) VCF-style: chr19-41133141-A-G.
Other names: c.4448A>G, p.Tyr1483Cys (NM_001042544.1); c.4337A>G, p.Tyr1446Cys (NM_003573.2); short protein forms Y1446C, Y1416C, Y1483C.
Identifiers: ClinVar variation 1997521 (VCV001997521.4), dbSNP rs2515396764, ClinGen allele CA405911434.
Genomic context (GRCh38, chr19:40,627,236, plus strand): 5'-AGGCTCCTTATGGGGCACCCCGCTTCGACATGCCAGACTTTGAGGACGATGGTGGCCCCT[A>G]TGGCGAATCTGAGGCTCCTGCGCCACCTGGCCCGGGCACCCGCTGGCCCTATCGGTCCCG-3'
Protein context (NP_001036010.1, residues 1406-1426): MPDFEDDGGP[Tyr1416Cys]GESEAPAPPG